The following is an entry in ClinVar:

ClinVar aggregate classification (germline): Likely benign. Review status: criteria provided, single submitter (1 of 4 stars). 2 submissions from 2 submitters: Likely benign (1). 1 of the submissions does not count toward it. Last evaluated 2025-04-12.

Conditions:
DUOX2-related disorder. Also called: DUOX2-related condition.

Allele frequency attached by ClinVar (database versions not stated): 1000 Genomes Project 30x 0.00016; 1000 Genomes Project 0.00020.
gnomAD v4.1: 124 of 1,614,030 alleles (0.0077%); highest among the groups gnomAD compares: South Asian, 0.13%; no homozygotes.

Submissions (2):

Labcorp Genetics (formerly Invitae), Labcorp
Classification: Likely benign. Last evaluated: 2025-04-12. Review status: criteria provided, single submitter. Criteria: Invitae Variant Classification Sherloc (09022015). Collection method: clinical testing. Allele origin: germline.

PreventionGenetics, part of Exact Sciences
Classification: Likely benign for DUOX2-related condition. Last evaluated: 2019-11-26. Review status: no assertion criteria provided. Collection method: clinical testing. Allele origin: germline. Not counted in ClinVar's aggregate classification.
Comment: This variant is classified as likely benign based on ACMG/AMP sequence variant interpretation guidelines (Richards et al. 2015 PMID: 25741868, with internal and published modifications).

NM_001363711.2(DUOX2):c.1131+8T>A

Gene: DUOX2 (dual oxidase 2; minus strand). Cytogenetic location: 15q21.1.
Variant type: single nucleotide variant.
Coding change: c.1131+8T>A on transcript NM_001363711.2 (MANE Select); 8 bases into the intron after coding-DNA position 1131, T replaced by A.
Molecular consequence: intron variant.
Genome position (GRCh38, 1-based): chr15:45,109,882, A>T on the plus strand (T>A on the coding strand, the complement: DUOX2 is on the minus strand). VCF-style: chr15-45109882-A-T. GRCh37 (hg19) VCF-style: chr15-45402080-A-T.
Other names: c.1131+8T>A (NM_014080.5, NM_014080.4).
Identifiers: ClinVar variation 1643288 (VCV001643288.10), dbSNP rs370387994, ClinGen allele CA7538742.